The following is an entry in ClinVar:

ClinVar aggregate classification (germline): Pathogenic (1 of 4 stars; one submission).

Submission:

Labcorp Genetics (formerly Invitae), Labcorp
Classification: Pathogenic. Last evaluated: 2024-11-21. Review status: criteria provided, single submitter. Criteria: Invitae Variant Classification Sherloc (09022015). Collection method: clinical testing. Allele origin: germline.
Comment: This sequence change affects a donor splice site in intron 11 of the GNAS gene. It is expected to disrupt RNA splicing. Variants that disrupt the donor or acceptor splice site typically lead to a loss of protein function (PMID: 16199547), and loss-of-function variants in GNAS are known to be pathogenic (PMID: 11784876, 23281139, 23796510, 25802881). This variant is not present in population databases (gnomAD no frequency). Disruption of this splice site has been observed in individual(s) with clinical features of pseudohypoparathyroidism type 1a (PMID: 31696922). In at least one individual the variant was observed to be de novo. ClinVar contains an entry for this variant (Variation ID: 645259). Algorithms developed to predict the effect of sequence changes on RNA splicing suggest that this variant may disrupt the consensus splice site. For these reasons, this variant has been classified as Pathogenic.

Literature cited by the submitters: PubMed 16199547; PubMed 11784876; PubMed 23281139; PubMed 23796510; PubMed 25802881; PubMed 31696922.

NM_000516.7(GNAS):c.970+2T>C

Gene: GNAS (GNAS complex locus; plus strand). Cytogenetic location: 20q13.32.
Variant type: single nucleotide variant.
Coding change: c.970+2T>C on transcript NM_000516.7 (MANE Select); the canonical splice donor site of the intron after coding-DNA position 970, T replaced by C.
Molecular consequence: splice donor variant.
Genome position (GRCh38, 1-based): chr20:58,910,083, T>C. VCF-style: chr20-58910083-T-C. GRCh37 (hg19) VCF-style: chr20-57485138-T-C.
Other names: c.*876+2T>C (NM_016592.5); c.874+2T>C (NM_001410912.1); c.793+2T>C (NM_001309861.2, NM_001309840.2); c.*831+2T>C (NM_001077490.3); c.2899+2T>C (NM_080425.4); c.2854+2T>C (NM_001410913.1); c.973+2T>C (NM_001077488.5); c.928+2T>C (NM_080426.4); and 1 more.
Identifiers: ClinVar variation 645259 (VCV000645259.7), dbSNP rs1601166850, ClinGen allele CA409453415.